The following is an entry in ClinVar:

NM_020987.5(ANK3):c.3139G>A (p.Val1047Ile)

Gene: ANK3 (ankyrin 3; minus strand). Cytogenetic location: 10q21.2.
Variant type: single nucleotide variant.
Coding change: c.3139G>A on transcript NM_020987.5 (MANE Select); coding-DNA position 3139, G replaced by A.
Protein change: p.Val1047Ile; replaces valine 1047 with isoleucine.
Molecular consequence: missense variant.
Genome position (GRCh38, 1-based): chr10:60,108,864, C>T on the plus strand (G>A on the coding strand, the complement: ANK3 is on the minus strand). VCF-style: chr10-60108864-C-T. GRCh37 (hg19) VCF-style: chr10-61868622-C-T.
Other names: NM_001320874.2:c.3139G>A; c.541G>A, p.Val181Ile (NM_001149.4); c.3121G>A, p.Val1041Ile (NM_001204403.2); c.3142G>A, p.Val1048Ile (NM_001204404.2); c.3139G>A, p.Val1047Ile (NM_001320874.2); short protein forms V1041I, V1047I, V1048I, V181I.
Identifiers: ClinVar variation 1337117 (VCV001337117.5), dbSNP rs535526499, ClinGen allele CA5512566.

ClinVar aggregate classification (germline): Uncertain significance. Review status: criteria provided, multiple submitters, no conflicts (2 of 4 stars). 2 submissions from 2 submitters: Uncertain significance (2). Last evaluated 2022-05-04.

Conditions:
Intellectual developmental disorder, autosomal recessive 66. Also called: Intellectual disability, autosomal recessive 66; Mental retardation, autosomal recessive 66. Identifiers: MedGen C4748732, MONDO:0032605, OMIM 618221.

Allele frequency attached by ClinVar (database versions not stated): gnomAD 0.00001; gnomAD exomes 0.00005 and 0.00003; 1000 Genomes Project 30x 0.00016; 1000 Genomes Project 0.00020; ExAC 0.00008.
gnomAD v4.1: 43 of 1,614,124 alleles (0.0027%); highest among the groups gnomAD compares: South Asian, 0.043%; no homozygotes.

Submissions (2):

Broad Center for Mendelian Genomics, Broad Institute of MIT and Harvard
Classification: Uncertain significance for Intellectual developmental disorder, autosomal recessive 66. Last evaluated: 2022-05-04. Review status: criteria provided, single submitter. Criteria: ACMG Guidelines, 2015. Collection method: curation. Allele origin: germline. Inheritance: Autosomal recessive inheritance.
Comment: The variant has not been previously reported in individuals with mental retardation, autosomal recessive 37 but has been identified in 0.04% (12/30610) of South Asian chromosomes by the Genome Aggregation Database (gnomAD; dbSNP ID: rs535526499). Although this variant has been seen in the general population, its frequency is not high enough to rule out a pathogenic role. Computational prediction tools, including splice predictors, and conservation analyses suggest that this variant may not impact the protein, though this information is not predictive enough to rule out pathogenicity. In summary, the clinical significance of the p.Val1047Ile variant is uncertain. ACMG/AMP Criteria applied: BP4 (Richards 2015).

Genetic Services Laboratory, University of Chicago
Classification: Uncertain significance. Last evaluated: 2019-04-15. Review status: criteria provided, single submitter. Criteria: ACMG Guidelines, 2015. Collection method: clinical testing. Allele origin: germline. Affected: no.